The following is an entry in ClinVar:

NM_000492.4(CFTR):c.3151A>G (p.Ile1051Val)

Genes: CFTR (CF transmembrane conductance regulator; plus strand), CFTR-AS2 (CFTR antisense RNA 2; minus strand), LOC111674472 (DNase I hypersensitive sites in introns 16 and 17a of CFTR; plus strand). Cytogenetic location: 7q31.2.
Variant type: single nucleotide variant.
Coding change: c.3151A>G on transcript NM_000492.4 (MANE Select); coding-DNA position 3151, A replaced by G.
Protein change: p.Ile1051Val; replaces isoleucine 1051 with valine.
Molecular consequence: missense variant.
Genome position (GRCh38, 1-based): chr7:117,611,592, A>G. VCF-style: chr7-117611592-A-G. GRCh37 (hg19) VCF-style: chr7-117251646-A-G.
Other names: p.Ile1051Val; short protein forms I1051V.
Identifiers: ClinVar variation 495927 (VCV000495927.29), dbSNP rs374403559, ClinGen allele CA4451403.

ClinVar aggregate classification (germline): Uncertain significance. Review status: criteria provided, multiple submitters, no conflicts (2 of 4 stars). 11 submissions from 11 submitters: Uncertain significance (9). 2 of the submissions do not count toward it. Last evaluated 2025-12-01.

Conditions:
CFTR-related disorder (CFTR-RD). Also called: CFTR-related disorders; CFTR-related condition. Identifiers: MedGen C5924204, MONDO:7770004.
Congenital bilateral aplasia of vas deferens from CFTR mutation (CBAVD). Identifiers: Orphanet 48, MedGen C0403814, MONDO:0010178, OMIM 277180. Disease mechanism: loss of function.
Cystic fibrosis (CF). Also called: MUCOVISCIDOSIS. Identifiers: Orphanet 586, MedGen C0010674, MONDO:0009061, OMIM 219700. Disease mechanism: loss of function.
Bronchiectasis with or without elevated sweat chloride 1 (BESC1). Also called: Cystic Fibrosis-Like Syndrome. Identifiers: Orphanet 60033, MedGen C2749757, MONDO:0008887, OMIM 211400.
Hereditary pancreatitis (PCTT). Also called: Hereditary chronic pancreatitis; PRSS1-Related Hereditary Pancreatitis. Identifiers: Orphanet 676, MedGen C0238339, MONDO:0008185, OMIM 167800.

Allele frequency attached by ClinVar (database versions not stated): TOPMed 0.00006; gnomAD 0.00008 and 0.00009.
gnomAD v4.1: 74 of 1,607,192 alleles (0.0046%); highest among the groups gnomAD compares: Middle Eastern, 0.033%; no homozygotes.

Submissions (11):

CeGaT Center for Human Genetics Tuebingen
Classification: Uncertain significance. Last evaluated: 2025-12-01. Review status: criteria provided, single submitter. Criteria: CeGaT Center For Human Genetics Tuebingen Variant Classification Criteria Version 2. Collection method: clinical testing. Allele origin: germline. Affected: yes. Observed: 1 variant allele.
Comment: CFTR: PM2

Women's Health and Genetics/Laboratory Corporation of America, LabCorp
Classification: Uncertain significance. Last evaluated: 2025-08-22. Review status: criteria provided, single submitter. Criteria: LabCorp Variant Classification Summary - May 2015. Collection method: clinical testing. Allele origin: germline.
Comment: Variant summary: CFTR c.3151A>G (p.Ile1051Val) results in a conservative amino acid change located in the ABC transporter type 1, transmembrane domain of the encoded protein sequence. Algorithms developed to predict the effect of missense changes on protein structure and function are either unavailable or do not agree on the potential impact of this missense change. The variant allele was found at a frequency of 3.6e-05 in 250154 control chromosomes. The available data on variant occurrences in the general population are insufficient to allow any conclusion about variant significance. c.3151A>G has been observed in individual(s) affected with Cystic Fibrosis (Erodan_2021, Sadeghi_2025) or acute pancreatitis (Bas_2023), as well as an asymptomatic individual with the F508del allele in trans (Claustres_2017). To our knowledge, no experimental evidence demonstrating an impact on protein function has been reported. The following publications have been ascertained in the context of this evaluation (PMID: 26990548, 37823318, 28603918, 34860163, 25735457, 39532587, 34996830). ClinVar contains an entry for this variant (Variation ID: 495927). Based on the evidence outlined above, the variant was classified as uncertain significance.

Mayo Clinic Laboratories, Mayo Clinic
Classification: Uncertain significance. Last evaluated: 2024-12-30. Review status: criteria provided, single submitter. Criteria: ACMG Guidelines, 2015. Collection method: clinical testing. Allele origin: germline. Observed: 2 variant alleles.
Comment: PP3, PM2_supporting

Ambry Genetics
Classification: Uncertain significance for Cystic fibrosis. Last evaluated: 2024-12-03. Review status: criteria provided, single submitter. Criteria: Ambry Variant Classification Scheme 2023. Collection method: clinical testing. Allele origin: germline.
Comment: The p.I1051V variant (also known as c.3151A>G), located in coding exon 20 of the CFTR gene, results from an A to G substitution at nucleotide position 3151. The isoleucine at codon 1051 is replaced by valine, an amino acid with highly similar properties. This variant has been reported to co-occur with CFTR p.F508del in an asymptomatic individual (Claustres M. Hum. Mutat. 2017;38(10):1297-1315); however, details were limited. This amino acid position is highly conserved in available vertebrate species. In addition, this alteration is predicted to be deleterious by in silico analysis. Based on the available evidence, the clinical significance of this variant remains unclear.

Blueprint Genetics
Classification: Uncertain significance. Last evaluated: 2024-06-28. Review status: criteria provided, single submitter. Criteria: ACMG Guidelines, 2015. Collection method: clinical testing. Allele origin: germline.

Labcorp Genetics (formerly Invitae), Labcorp
Classification: Uncertain significance for Cystic fibrosis. Last evaluated: 2022-06-08. Review status: criteria provided, single submitter. Criteria: Invitae Variant Classification Sherloc (09022015). Collection method: clinical testing. Allele origin: germline.
Comment: This sequence change replaces isoleucine, which is neutral and non-polar, with valine, which is neutral and non-polar, at codon 1051 of the CFTR protein (p.Ile1051Val). This variant is present in population databases (rs374403559, gnomAD 0.02%). This variant has not been reported in the literature in individuals affected with CFTR-related conditions. ClinVar contains an entry for this variant (Variation ID: 495927). Algorithms developed to predict the effect of missense changes on protein structure and function (SIFT, PolyPhen-2, Align-GVGD) all suggest that this variant is likely to be tolerated. In summary, the available evidence is currently insufficient to determine the role of this variant in disease. Therefore, it has been classified as a Variant of Uncertain Significance.

Fulgent Genetics
Classification: Uncertain significance for Hereditary pancreatitis; Bronchiectasis with or without elevated sweat chloride 1; Cystic fibrosis; Congenital bilateral aplasia of vas deferens from CFTR mutation. Last evaluated: 2022-04-27. Review status: criteria provided, single submitter. Criteria: ACMG Guidelines, 2015. Collection method: clinical testing. Allele origin: unknown.

Genome-Nilou Lab
Classification: Uncertain significance for Cystic fibrosis. Last evaluated: 2021-05-18. Review status: criteria provided, single submitter. Criteria: ACMG Guidelines, 2015. Collection method: clinical testing. Allele origin: germline. Affected: no.

Illumina Laboratory Services, Illumina
Classification: Uncertain significance for CFTR-Related Disorders. Last evaluated: 2017-04-27. Review status: criteria provided, single submitter. Criteria: ICSL Variant Classification Criteria 13 December 2019. Collection method: clinical testing. Allele origin: germline.

Natera, Inc.
Classification: Uncertain significance for CFTR-related disorders. Last evaluated: 2018-12-18. Review status: no assertion criteria provided. Collection method: clinical testing. Allele origin: germline. Not counted in ClinVar's aggregate classification.

Counsyl
Classification: Uncertain significance for Cystic fibrosis. Last evaluated: 2017-12-11. Review status: no assertion criteria provided. Collection method: clinical testing. Allele origin: unknown. Not counted in ClinVar's aggregate classification.

Literature cited by the submitters: PubMed 25735457 (cited by Women's Health and Genetics/Laboratory Corporation of America, LabCorp); PubMed 28603918 (cited by 3 submitters); PubMed 26990548 (cited by Women's Health and Genetics/Laboratory Corporation of America, LabCorp); PubMed 34996830 (cited by Women's Health and Genetics/Laboratory Corporation of America, LabCorp); PubMed 34860163 (cited by Women's Health and Genetics/Laboratory Corporation of America, LabCorp and Mayo Clinic Laboratories, Mayo Clinic); PubMed 37823318 (cited by Women's Health and Genetics/Laboratory Corporation of America, LabCorp and Mayo Clinic Laboratories, Mayo Clinic); PubMed 39532587 (cited by Women's Health and Genetics/Laboratory Corporation of America, LabCorp).